The following is an entry in ClinVar:

ClinVar aggregate classification (germline): Uncertain significance (1 of 4 stars; one submission).

Allele frequency attached by ClinVar (database versions not stated): TOPMed below 0.00001; gnomAD 0.00001; gnomAD exomes 0.00001.
gnomAD v4.1: 10 of 1,614,064 alleles (0.00062%); highest among the groups gnomAD compares: South Asian, 0.0022%; no homozygotes.

Submission:

Labcorp Genetics (formerly Invitae), Labcorp
Classification: Uncertain significance. Last evaluated: 2023-08-24. Review status: criteria provided, single submitter. Criteria: Invitae Variant Classification Sherloc (09022015). Collection method: clinical testing. Allele origin: germline.
Comment: This sequence change replaces isoleucine, which is neutral and non-polar, with valine, which is neutral and non-polar, at codon 507 of the IGF1R protein (p.Ile507Val). This variant is not present in population databases (gnomAD no frequency). This variant has not been reported in the literature in individuals affected with IGF1R-related conditions. ClinVar contains an entry for this variant (Variation ID: 1927707). Advanced modeling of protein sequence and biophysical properties (such as structural, functional, and spatial information, amino acid conservation, physicochemical variation, residue mobility, and thermodynamic stability) performed at Invitae indicates that this missense variant is not expected to disrupt IGF1R protein function. In summary, the available evidence is currently insufficient to determine the role of this variant in disease. Therefore, it has been classified as a Variant of Uncertain Significance.

NM_000875.5(IGF1R):c.1519A>G (p.Ile507Val)

Gene: IGF1R (insulin like growth factor 1 receptor; plus strand). Cytogenetic location: 15q26.3.
Variant type: single nucleotide variant.
Coding change: c.1519A>G on transcript NM_000875.5 (MANE Select); coding-DNA position 1519, A replaced by G.
Protein change: p.Ile507Val; replaces isoleucine 507 with valine.
Molecular consequence: missense variant.
Genome position (GRCh38, 1-based): chr15:98,911,371, A>G. VCF-style: chr15-98911371-A-G. GRCh37 (hg19) VCF-style: chr15-99454600-A-G.
Other names: c.1519A>G, p.Ile507Val (NM_001291858.2); short protein forms I507V.
Identifiers: ClinVar variation 1927707 (VCV001927707.5), dbSNP rs1366040895, ClinGen allele CA393677929.
Genomic context (GRCh38, chr15:98,911,371, plus strand): 5'-CCAGGTGAAAGTGACGTCCTGCATTTCACCTCCACCACCACGTCGAAGAATCGCATCATC[A>G]TAACCTGGCACCGGTACCGGCCCCCTGACTACAGGGATCTCATCAGCTTCACCGTTTACT-3'
Protein context (NP_000866.1, residues 497-517): STTTSKNRII[Ile507Val]TWHRYRPPDY